The following is an entry in ClinVar:

NM_003072.5(SMARCA4):c.1212C>G (p.Leu404=)

Gene: SMARCA4 (SWI/SNF related BAF chromatin remodeling complex subunit ATPase 4; plus strand). Cytogenetic location: 19p13.2.
Variant type: single nucleotide variant.
Coding change: c.1212C>G on transcript NM_003072.5 (MANE Select); coding-DNA position 1212, C replaced by G.
Protein change: p.Leu404=; no amino-acid change (leucine 404 retained).
Molecular consequence: synonymous variant. On other transcripts: non-coding transcript variant (1).
Genome position (GRCh38, 1-based): chr19:10,989,410, C>G. VCF-style: chr19-10989410-C-G. GRCh37 (hg19) VCF-style: chr19-11100086-C-G.
Other names: c.1212C>G, p.Leu404= (NM_001128844.3, NM_001128845.2, NM_001128846.2 and 5 more transcripts).
Identifiers: ClinVar variation 238367 (VCV000238367.20), dbSNP rs182329193, ClinGen allele CA9203717.

ClinVar aggregate classification (germline): Benign/Likely benign. Review status: criteria provided, multiple submitters, no conflicts (2 of 4 stars). 5 submissions from 5 submitters: Benign (2); Likely benign (2). 1 of the submissions does not count toward it. Last evaluated 2026-07-09.

Conditions:
SMARCA4-related disorder. Also called: SMARCA4-related condition.
Hereditary cancer-predisposing syndrome. Also called: Hereditary Cancer Syndrome; Tumor predisposition; Hereditary neoplastic syndrome; Neoplastic Syndromes, Hereditary. Identifiers: Orphanet 140162, MedGen C0027672, MeSH D009386, MONDO:0015356.
Rhabdoid tumor predisposition syndrome 2 (RTPS2). Identifiers: Orphanet 231108, Orphanet 69077, MedGen C2750074, MONDO:0013224, OMIM 613325.

Allele frequency attached by ClinVar (database versions not stated): TOPMed 0.00003; gnomAD exomes 0.00007; 1000 Genomes Project 30x 0.00047; gnomAD 0.00002 and 0.00004; ExAC 0.00010; 1000 Genomes Project 0.00040.
gnomAD v4.1: 23 of 1,614,172 alleles (0.0014%); highest among the groups gnomAD compares: East Asian, 0.045%; no homozygotes.

Submissions (5):

Myriad Genetics, Inc.
Classification: Benign for Rhabdoid tumor predisposition syndrome 2. Last evaluated: 2026-07-09. Review status: criteria provided, single submitter. Criteria: Myriad Autosomal Dominant, Autosomal Recessive and X-Linked Classification Criteria (2023). Collection method: clinical testing. Allele origin: unknown.
Comment: This variant is considered benign. This variant is a silent/synonymous amino acid change and it is not expected to impact splicing.

Labcorp Genetics (formerly Invitae), Labcorp
Classification: Likely benign for Rhabdoid tumor predisposition syndrome 2. Last evaluated: 2026-01-21. Review status: criteria provided, single submitter. Criteria: Invitae Variant Classification Sherloc (09022015). Collection method: clinical testing. Allele origin: germline.

Quest Diagnostics Nichols Institute San Juan Capistrano
Classification: Benign. Last evaluated: 2023-02-16. Review status: criteria provided, single submitter. Criteria: Quest Diagnostics criteria. Collection method: clinical testing. Allele origin: unknown.

Ambry Genetics
Classification: Likely benign for Hereditary cancer-predisposing syndrome. Last evaluated: 2016-04-07. Review status: criteria provided, single submitter. Criteria: Ambry Variant Classification Scheme 2023. Collection method: clinical testing. Allele origin: germline.

PreventionGenetics, part of Exact Sciences
Classification: Likely benign for SMARCA4-related condition. Last evaluated: 2023-10-24. Review status: no assertion criteria provided. Collection method: clinical testing. Allele origin: germline. Not counted in ClinVar's aggregate classification.
Comment: This variant is classified as likely benign based on ACMG/AMP sequence variant interpretation guidelines (Richards et al. 2015 PMID: 25741868, with internal and published modifications).